The following is an entry in ClinVar:

ClinVar aggregate classification (germline): Pathogenic (1 of 4 stars; one submission).

Conditions:
Familial cancer of breast. Also called: hereditary breast carcinoma; BREAST CANCER, FAMILIAL; Hereditary breast cancer. Identifiers: Orphanet 227535, MedGen C0346153, MONDO:0016419, OMIM 114480. Disease mechanism: loss of function.

Submission:

Myriad Genetics, Inc.
Classification: Pathogenic for Familial cancer of breast. Last evaluated: 2024-01-30. Review status: criteria provided, single submitter. Criteria: Myriad Autosomal Dominant, Autosomal Recessive and X-Linked Classification Criteria (2023). Collection method: clinical testing. Allele origin: unknown.
Comment: This variant is considered pathogenic. This variant creates a frameshift predicted to result in premature protein truncation.

NM_000051.4(ATM):c.6718del (p.Asp2240fs)

Genes: ATM (ATM serine/threonine kinase; plus strand), C11orf65 (chromosome 11 open reading frame 65; minus strand). Cytogenetic location: 11q22.3.
Variant type: Deletion.
Coding change: c.6718del on transcript NM_000051.4 (MANE Select); coding-DNA position 6718, one base deleted (G; older notation c.6718delG).
Protein change: p.Asp2240fs; shifts the reading frame from aspartic acid 2240.
Molecular consequence: frameshift variant. On other transcripts: intron variant (2).
Genome position (GRCh38, 1-based): chr11:108,325,455, G deleted; the last of 2 consecutive G bases (chr11:108,325,454-108,325,455); deleting either gives the same sequence. VCF-style (leftmost placement, unchanged base first): chr11-108325453-TG-T. GRCh37 (hg19) VCF-style: chr11-108196180-TG-T.
Other names: c.6718del, p.Asp2240fs (NM_001351834.2); c.641-16383del (NM_001330368.2); c.*38+9766del (NM_001351110.2); short protein forms D2240fs.
Identifiers: ClinVar variation 3148291 (VCV003148291.1), dbSNP rs2547204620, ClinGen allele CA2825001933.